The following is an entry in ClinVar:

ClinVar aggregate classification (germline): Uncertain significance (1 of 4 stars; one submission).

Conditions:
Renal cell carcinoma. Identifiers: Orphanet 217071, MedGen C0007134, MeSH D002292, MONDO:0005086, HP:0005584.

Submission:

Labcorp Genetics (formerly Invitae), Labcorp
Classification: Uncertain significance for Renal cell carcinoma. Last evaluated: 2021-10-23. Review status: criteria provided, single submitter. Criteria: Invitae Variant Classification Sherloc (09022015). Collection method: clinical testing. Allele origin: germline.
Comment: This sequence change replaces threonine with alanine at codon 1134 of the MET protein (p.Thr1134Ala). The threonine residue is highly conserved and there is a small physicochemical difference between threonine and alanine. This variant is not present in population databases (ExAC no frequency). This variant has not been reported in the literature in individuals affected with MET-related conditions. Algorithms developed to predict the effect of missense changes on protein structure and function are either unavailable or do not agree on the potential impact of this missense change (SIFT: "Deleterious"; PolyPhen-2: "Probably Damaging"; Align-GVGD: "Class C0"). In summary, the available evidence is currently insufficient to determine the role of this variant in disease. Therefore, it has been classified as a Variant of Uncertain Significance.

NM_000245.4(MET):c.3346A>G (p.Thr1116Ala)

Gene: MET (MET proto-oncogene, receptor tyrosine kinase; plus strand). Cytogenetic location: 7q31.2.
Variant type: single nucleotide variant.
Coding change: c.3346A>G on transcript NM_000245.4 (MANE Select); coding-DNA position 3346, A replaced by G.
Protein change: p.Thr1116Ala; replaces threonine 1116 with alanine.
Molecular consequence: missense variant.
Genome position (GRCh38, 1-based): chr7:116,778,781, A>G. VCF-style: chr7-116778781-A-G. GRCh37 (hg19) VCF-style: chr7-116418835-A-G.
Other names: c.3400A>G, p.Thr1134Ala (NM_001127500.3); c.2056A>G, p.Thr686Ala (NM_001324402.2); short protein forms T1116A, T686A, T1134A.
Identifiers: ClinVar variation 1414993 (VCV001414993.6), dbSNP rs2117044784, ClinGen allele CA368989953.